The following is an entry in ClinVar:

ClinVar aggregate classification (germline): Pathogenic (1 of 4 stars; one submission).

Submission:

Labcorp Genetics (formerly Invitae), Labcorp
Classification: Pathogenic. Last evaluated: 2023-04-13. Review status: criteria provided, single submitter. Criteria: Invitae Variant Classification Sherloc (09022015). Collection method: clinical testing. Allele origin: unknown.
Comment: For these reasons, this variant has been classified as Pathogenic. This variant disrupts a region of the CYP4F22 protein in which other variant(s) (p.Tyr465*) have been determined to be pathogenic (Invitae). This suggests that this is a clinically significant region of the protein, and that variants that disrupt it are likely to be disease-causing. This variant has not been reported in the literature in individuals affected with CYP4F22-related conditions. This variant is a gross deletion of the genomic region encompassing exon(s) 13-14 of the CYP4F22 gene, which includes the termination codon. This deletion extends beyond the assayed region for this gene and therefore may encompass additional genes. While this deletion is not anticipated to lead to nonsense mediated decay, it is expected to alter mRNA translation or result in a truncated protein product.

NC_000019.9:g.(?_15661465)_(15662282_?)del

Gene: CYP4F22 (cytochrome P450 family 4 subfamily F member 22; plus strand). Cytogenetic location: 19p13.12.
Variant type: Deletion.
Identifiers: ClinVar variation 3242731 (VCV003242731.1).